The following is an entry in ClinVar:

NM_032380.5(GFM2):c.1728T>A (p.Asp576Glu)

Gene: GFM2 (GTP dependent ribosome recycling factor mitochondrial GFM2; minus strand). Cytogenetic location: 5q13.3.
Variant type: single nucleotide variant.
Coding change: c.1728T>A on transcript NM_032380.5 (MANE Select); coding-DNA position 1728, T replaced by A.
Protein change: p.Asp576Glu; replaces aspartic acid 576 with glutamic acid.
Molecular consequence: missense variant. On other transcripts: non-coding transcript variant (1).
Genome position (GRCh38, 1-based): chr5:74,726,125, A>T on the plus strand (T>A on the coding strand, the complement: GFM2 is on the minus strand). VCF-style: chr5-74726125-A-T. GRCh37 (hg19) VCF-style: chr5-74021950-A-T.
Other names: p.D576E:GAT>GAA; c.1824T>A, p.Asp608Glu (NM_001281302.2); c.1587T>A, p.Asp529Glu (NM_170691.3); short protein forms D576E, D608E, D529E.
Identifiers: ClinVar variation 55856 (VCV000055856.14), dbSNP rs140077535, ClinGen allele CA143962.
Genomic context (GRCh38, chr5:74,726,125, plus strand): 5'-CCTTGCTTCCACTTCTACAGTCACAAGATGCCTTTTGTCTCCTAAAGTTCTATCTAAGGT[A>T]TCTGTAAACAAATTGAATATGGCACCTCAGAGATTAATTCTGGAAAGGTATCAAGGTACT-3'
Protein context (NP_115756.2, residues 566-586): ETILNSVRAT[Asp576Glu]TLDRTLGDKR

ClinVar aggregate classification (germline): Conflicting classifications of pathogenicity. Review status: criteria provided, conflicting classifications (1 of 4 stars). 5 submissions from 5 submitters: Uncertain significance (3); Likely benign (1). 1 of the submissions does not count toward it. Last evaluated 2026-09-25.

Conditions:
Combined oxidative phosphorylation deficiency 39. Identifiers: Orphanet 565624, MedGen C5193075, MONDO:0032726, OMIM 618397.
Inborn genetic diseases. Identifiers: MedGen C0950123, MeSH D030342.

Allele frequency attached by ClinVar (database versions not stated): ExAC 0.00029; 1000 Genomes Project 0.00080; gnomAD 0.00100 and 0.00104; gnomAD exomes 0.00011 and 0.00025; 1000 Genomes Project 30x 0.00062; ESP Exome Variant Server 0.00077; TOPMed 0.00112.

Submissions (5):

GeneDx
Classification: Uncertain significance. Last evaluated: 2026-09-25. Review status: criteria provided, single submitter. Criteria: GeneDx Variant Classification Process June 2021. Collection method: clinical testing. Allele origin: germline.
Comment: In silico analysis suggests that this missense variant does not alter protein structure/function; This variant is associated with the following publications: (PMID: 38283147, 26016410, 22700954)

Labcorp Genetics (formerly Invitae), Labcorp
Classification: Uncertain significance. Last evaluated: 2025-12-16. Review status: criteria provided, single submitter. Criteria: Invitae Variant Classification Sherloc (09022015). Collection method: clinical testing. Allele origin: germline.
Comment: This sequence change replaces aspartic acid, which is acidic and polar, with glutamic acid, which is acidic and polar, at codon 576 of the GFM2 protein (p.Asp576Glu). This variant is present in population databases (rs140077535, gnomAD 0.3%), and has an allele count higher than expected for a pathogenic variant. This missense change has been observed in individual(s) with a neurodevelopmental disorder and insulin-dependent diabetes (PMID: 22700954). ClinVar contains an entry for this variant (Variation ID: 55856). An algorithm developed to predict the effect of missense changes on protein structure and function (PolyPhen-2) suggests that this variant is likely to be disruptive. In summary, the available evidence is currently insufficient to determine the role of this variant in disease. Therefore, it has been classified as a Variant of Uncertain Significance.

Ambry Genetics
Classification: Likely benign for Inborn genetic diseases. Last evaluated: 2022-04-28. Review status: criteria provided, single submitter. Criteria: Ambry Variant Classification Scheme 2023. Collection method: clinical testing. Allele origin: germline.

Breakthrough Genomics
Classification: Uncertain significance. Review status: criteria provided, single submitter. Criteria: ACMG Guidelines, 2015. Collection method: not provided. Allele origin: germline. Inheritance: Autosomal recessive inheritance. Affected: yes.

OMIM
Classification: Pathogenic for COMBINED OXIDATIVE PHOSPHORYLATION DEFICIENCY 39. Last evaluated: 2012-06-13. Review status: no assertion criteria provided. Collection method: literature only. Allele origin: germline. Not counted in ClinVar's aggregate classification.

Literature cited by the submitters: PubMed 22700954 (cited by 3 submitters).